The following is an entry in ClinVar:

NM_032776.3(JMJD1C):c.3383C>T (p.Ala1128Val)

Gene: JMJD1C (jumonji domain containing 1C; minus strand). Cytogenetic location: 10q21.3.
Variant type: single nucleotide variant.
Coding change: c.3383C>T on transcript NM_032776.3 (MANE Select); coding-DNA position 3383, C replaced by T.
Protein change: p.Ala1128Val; replaces alanine 1128 with valine.
Molecular consequence: missense variant. On other transcripts: non-coding transcript variant (1).
Genome position (GRCh38, 1-based): chr10:63,208,286, G>A on the plus strand (C>T on the coding strand, the complement: JMJD1C is on the minus strand). VCF-style: chr10-63208286-G-A. GRCh37 (hg19) VCF-style: chr10-64968046-G-A.
Other names: c.2519C>T, p.Ala840Val (NM_001318153.2); c.2837C>T, p.Ala946Val (NM_001318154.2, NM_001282948.2); c.3269C>T, p.Ala1090Val (NM_001322252.2); c.2726C>T, p.Ala909Val (NM_001322254.2, NM_001322258.2); c.3383C>T (NM_032776.1); short protein forms A1128V, A1090V, A946V, A909V, A840V.
Identifiers: ClinVar variation 641021 (VCV000641021.10), dbSNP rs745461131, ClinGen allele CA5518441.
Genomic context (GRCh38, chr10:63,208,286, plus strand): 5'-GGTGGAGGCTTTGAAAGAGATGTTATAAATGAAGTCAGAGTTTGAGGATTAGCTGCTGCC[G>A]CTGCAAGGGCATTACTCTGTTTATCACCGTAAATATTTGAAACTTCTTTGGATGGGTATG-3'
Protein context (NP_116165.1, residues 1118-1138): YGDKQSNALA[Ala1128Val]AAANPQTLTS

ClinVar aggregate classification (germline): Uncertain significance. Review status: criteria provided, multiple submitters, no conflicts (2 of 4 stars). 2 submissions from 2 submitters: Uncertain significance (2). Last evaluated 2025-12-22.

Conditions:
Early Myoclonic Encephalopathy. Identifiers: MedGen C0270855.

Allele frequency attached by ClinVar (database versions not stated): gnomAD 0.00004; TOPMed 0.00006.
gnomAD v4.1: 111 of 1,613,906 alleles (0.0069%); highest among the groups gnomAD compares: Non-Finnish European, 0.0071%; 1 homozygote.

Submissions (2):

Labcorp Genetics (formerly Invitae), Labcorp
Classification: Uncertain significance for Early Myoclonic Encephalopathy. Last evaluated: 2025-12-22. Review status: criteria provided, single submitter. Criteria: Invitae Variant Classification Sherloc (09022015). Collection method: clinical testing. Allele origin: germline.
Comment: This sequence change replaces alanine, which is neutral and non-polar, with valine, which is neutral and non-polar, at codon 1128 of the JMJD1C protein (p.Ala1128Val). This variant is present in population databases (rs745461131, gnomAD 0.02%). This variant has not been reported in the literature in individuals affected with JMJD1C-related conditions. ClinVar contains an entry for this variant (Variation ID: 641021). An algorithm developed to predict the effect of missense changes on protein structure and function outputs the following: PolyPhen-2: "Benign". The valine amino acid residue is found in multiple mammalian species, which suggests that this missense change does not adversely affect protein function. In summary, the available evidence is currently insufficient to determine the role of this variant in disease. Therefore, it has been classified as a Variant of Uncertain Significance.

Ambry Genetics
Classification: Uncertain significance. Last evaluated: 2025-09-11. Review status: criteria provided, single submitter. Criteria: Ambry Variant Classification Scheme 2023. Collection method: clinical testing. Allele origin: germline.